The following is an entry in ClinVar:

ClinVar aggregate classification (germline): Pathogenic. Review status: criteria provided, single submitter (1 of 4 stars). 2 submissions from 2 submitters: Pathogenic (1). 1 of the submissions does not count toward it. Last evaluated 2023-05-03.

Conditions:
NPHS1-related disorder. Also called: NPHS1-related condition.
Finnish congenital nephrotic syndrome (NPHS1). Also called: NEPHROTIC SYNDROME, TYPE 1. Identifiers: Orphanet 839, MedGen C0403399, MONDO:0009732, OMIM 256300.

Submissions (2):

Blueprint Genetics
Classification: Pathogenic for NPHS1-related disorders. Last evaluated: 2023-05-03. Review status: criteria provided, single submitter. Criteria: ACMG Guidelines, 2015. Collection method: clinical testing. Allele origin: germline. Affected: yes. Observed: 3 variant alleles.

Juha Muilu Group; Institute for Molecular Medicine Finland (FIMM)
Classification: Likely pathogenic for Finnish congenital nephrotic syndrome. Review status: no assertion criteria provided. Collection method: not provided. Allele origin: unknown. Not counted in ClinVar's aggregate classification.
Comment: FinDis database variant: This variant was not found or characterized by our laboratory, data were collected from public sources: see reference
ClinVar note: Converted during submission from probable-pathogenic to Likely pathogenic.

NM_004646.4(NPHS1):c.1672C>T (p.Arg558Cys)

Gene: NPHS1 (NPHS1 adhesion molecule, nephrin; minus strand). Cytogenetic location: 19q13.12.
Variant type: single nucleotide variant.
Coding change: c.1672C>T on transcript NM_004646.4 (MANE Select); coding-DNA position 1672, C replaced by T.
Protein change: p.Arg558Cys; replaces arginine 558 with cysteine.
Molecular consequence: missense variant.
Genome position (GRCh38, 1-based): chr19:35,845,754, G>A on the plus strand (C>T on the coding strand, the complement: NPHS1 is on the minus strand). VCF-style: chr19-35845754-G-A. GRCh37 (hg19) VCF-style: chr19-36336656-G-A.
Other names: short protein forms R558C.
Identifiers: ClinVar variation 56444 (VCV000056444.3), dbSNP rs386833886, ClinGen allele CA250129.